The following is an entry in ClinVar:

ClinVar aggregate classification (germline): Likely benign (1 of 4 stars; one submission).

gnomAD v4.1: 17 of 1,611,920 alleles (0.0011%); highest among the groups gnomAD compares: Non-Finnish European, 0.0014%; no homozygotes.

Submission:

CeGaT Center for Human Genetics Tuebingen
Classification: Likely benign. Last evaluated: 2024-08-01. Review status: criteria provided, single submitter. Criteria: CeGaT Center For Human Genetics Tuebingen Variant Classification Criteria Version 2. Collection method: clinical testing. Allele origin: germline. Affected: yes. Observed: 1 variant allele.
Comment: NUP188: BP4, BP7

NM_015354.3(NUP188):c.4605C>G (p.Pro1535=)

Gene: NUP188 (nucleoporin 188; plus strand). Cytogenetic location: 9q34.11.
Variant type: single nucleotide variant.
Coding change: c.4605C>G on transcript NM_015354.3 (MANE Select); coding-DNA position 4605, C replaced by G.
Protein change: p.Pro1535=; no amino-acid change (proline 1535 retained).
Molecular consequence: synonymous variant.
Genome position (GRCh38, 1-based): chr9:129,005,398, C>G. VCF-style: chr9-129005398-C-G. GRCh37 (hg19) VCF-style: chr9-131767677-C-G.
Identifiers: ClinVar variation 3342121 (VCV003342121.16).